The following is an entry in ClinVar:

ClinVar aggregate classification (germline): Uncertain significance. Review status: criteria provided, multiple submitters, no conflicts (2 of 4 stars). 2 submissions from 2 submitters: Uncertain significance (2). Last evaluated 2025-08-20.

Conditions:
Hereditary cancer-predisposing syndrome. Also called: Tumor predisposition; Neoplastic Syndromes, Hereditary; Hereditary Cancer Syndrome; Hereditary neoplastic syndrome. Identifiers: Orphanet 140162, MedGen C0027672, MeSH D009386, MONDO:0015356.
Fanconi anemia complementation group O. Also called: RAD51C-Related Fanconi Anemia. Identifiers: Orphanet 84, MedGen C3150653, MONDO:0013248, OMIM 613390.

gnomAD v4.1: 2 of 1,612,098 alleles (0.00012%); highest among the groups gnomAD compares: South Asian, 0.0022%; no homozygotes.

Submissions (2):

Labcorp Genetics (formerly Invitae), Labcorp
Classification: Uncertain significance for Fanconi anemia complementation group O. Last evaluated: 2025-08-20. Review status: criteria provided, single submitter. Criteria: Invitae Variant Classification Sherloc (09022015). Collection method: clinical testing. Allele origin: germline.
Comment: This sequence change replaces leucine, which is neutral and non-polar, with phenylalanine, which is neutral and non-polar, at codon 278 of the RAD51C protein (p.Leu278Phe). This variant is present in population databases (rs543416334, gnomAD 0.003%). This variant has not been reported in the literature in individuals affected with RAD51C-related conditions. ClinVar contains an entry for this variant (Variation ID: 3942358). Invitae Evidence Modeling of protein sequence and biophysical properties (such as structural, functional, and spatial information, amino acid conservation, physicochemical variation, residue mobility, and thermodynamic stability) indicates that this missense variant is not expected to disrupt RAD51C protein function with a negative predictive value of 80%. In summary, the available evidence is currently insufficient to determine the role of this variant in disease. Therefore, it has been classified as a Variant of Uncertain Significance.

Ambry Genetics
Classification: Uncertain significance for Hereditary cancer-predisposing syndrome. Last evaluated: 2025-03-22. Review status: criteria provided, single submitter. Criteria: Ambry Variant Classification Scheme 2023. Collection method: clinical testing. Allele origin: germline.
Comment: The p.L278F variant (also known as c.834A>C), located in coding exon 5 of the RAD51C gene, results from an A to C substitution at nucleotide position 834. The leucine at codon 278 is replaced by phenylalanine, an amino acid with highly similar properties. This amino acid position is conserved. In addition, this alteration is predicted to be tolerated by in silico analysis. Based on the available evidence, the clinical significance of this variant remains unclear.

NM_058216.3(RAD51C):c.834A>C (p.Leu278Phe)

Gene: RAD51C (RAD51 paralog C; plus strand). Cytogenetic location: 17q22.
Variant type: single nucleotide variant.
Coding change: c.834A>C on transcript NM_058216.3 (MANE Select); coding-DNA position 834, A replaced by C.
Protein change: p.Leu278Phe; replaces leucine 278 with phenylalanine.
Molecular consequence: missense variant. On other transcripts: non-coding transcript variant (1).
Genome position (GRCh38, 1-based): chr17:58,709,987, A>C. VCF-style: chr17-58709987-A-C. GRCh37 (hg19) VCF-style: chr17-56787348-A-C.
Other names: short protein forms L278F.
Identifiers: ClinVar variation 3942358 (VCV003942358.2).
Genomic context (GRCh38, chr17:58,709,987, plus strand): 5'-TACTCGGTTATTAAATGGCCTAGCCCAGCAAATGATCAGCCTTGCAAATAATCACAGATT[A>C]GCTGTAAGTATTAACTAGTGAAGAGAGTTTTATAACAAAGTCAAGACTGTATAAAATGTT-3'
Protein context (NP_478123.1, residues 268-288): QMISLANNHR[Leu278Phe]AVILTNQMTT